The following is an entry in ClinVar:

ClinVar aggregate classification (germline): Uncertain significance. Review status: criteria provided, multiple submitters, no conflicts (2 of 4 stars). 3 submissions from 3 submitters: Uncertain significance (2). 1 of the submissions does not count toward it. Last evaluated 2026-01-20.

Conditions:
Ehlers-Danlos syndrome, dermatosparaxis type. Also called: Ehlers-Danlos syndrome, type VII, autosomal recessive; EDS VIIC; Dermatosparaxis. Identifiers: Orphanet 1901, MedGen C2700425, MONDO:0009161, OMIM 225410.

Allele frequency attached by ClinVar (database versions not stated): TOPMed below 0.00001; gnomAD exomes 0.00001; ExAC 0.00002.
gnomAD v4.1: 19 of 1,590,898 alleles (0.0012%); highest among the groups gnomAD compares: Admixed American, 0.024%; no homozygotes.

Submissions (3):

Myriad Genetics, Inc.
Classification: Uncertain significance for Ehlers-Danlos syndrome, dermatosparaxis type. Last evaluated: 2026-01-20. Review status: criteria provided, single submitter. Criteria: Myriad Autosomal Dominant, Autosomal Recessive and X-Linked Classification Criteria (2023). Collection method: clinical testing. Allele origin: unknown.
Comment: NM_014244.4(ADAMTS2):c.3116G>A(S1039N) is a missense variant classified as a variant of uncertain significance in the context of Ehlers-Danlos syndrome, ADAMTS2-related. S1039N has not been observed in cases with relevant disease. Relevant functional assessments of this variant are not available in the literature. S1039N has been observed in referenced population frequency databases. In summary, there is insufficient evidence to classify NM_014244.4(ADAMTS2):c.3116G>A(S1039N) as pathogenic or benign. Please note: this variant was assessed in the context of healthy population screening.

Labcorp Genetics (formerly Invitae), Labcorp
Classification: Uncertain significance for Ehlers-Danlos syndrome, dermatosparaxis type. Last evaluated: 2022-10-27. Review status: criteria provided, single submitter. Criteria: Invitae Variant Classification Sherloc (09022015). Collection method: clinical testing. Allele origin: germline.
Comment: This sequence change replaces serine, which is neutral and polar, with asparagine, which is neutral and polar, at codon 1039 of the ADAMTS2 protein (p.Ser1039Asn). This variant is present in population databases (rs771197106, gnomAD 0.007%). This variant has not been reported in the literature in individuals affected with ADAMTS2-related conditions. ClinVar contains an entry for this variant (Variation ID: 662208). Algorithms developed to predict the effect of missense changes on protein structure and function output the following: SIFT: "Tolerated"; PolyPhen-2: "Benign"; Align-GVGD: "Class C0". The asparagine amino acid residue is found in multiple mammalian species, which suggests that this missense change does not adversely affect protein function. In summary, the available evidence is currently insufficient to determine the role of this variant in disease. Therefore, it has been classified as a Variant of Uncertain Significance.

Natera, Inc.
Classification: Uncertain significance for Ehlers-Danlos syndrome type VIIC. Last evaluated: 2020-03-20. Review status: no assertion criteria provided. Collection method: clinical testing. Allele origin: germline. Not counted in ClinVar's aggregate classification.

NM_014244.5(ADAMTS2):c.3116G>A (p.Ser1039Asn)

Gene: ADAMTS2 (ADAM metallopeptidase with thrombospondin type 1 motif 2; minus strand). Cytogenetic location: 5q35.3.
Variant type: single nucleotide variant.
Coding change: c.3116G>A on transcript NM_014244.5 (MANE Select); coding-DNA position 3116, G replaced by A.
Protein change: p.Ser1039Asn; replaces serine 1039 with asparagine.
Molecular consequence: missense variant.
Genome position (GRCh38, 1-based): chr5:179,121,723, C>T on the plus strand (G>A on the coding strand, the complement: ADAMTS2 is on the minus strand). VCF-style: chr5-179121723-C-T. GRCh37 (hg19) VCF-style: chr5-178548724-C-T.
Other names: short protein forms S1039N.
Identifiers: ClinVar variation 662208 (VCV000662208.11), dbSNP rs771197106, ClinGen allele CA3595297.